The following is an entry in ClinVar:

NM_032043.3(BRIP1):c.2317G>A (p.Asp773Asn)

Gene: BRIP1 (BRCA1 interacting DNA helicase 1; minus strand). Cytogenetic location: 17q23.2.
Variant type: single nucleotide variant.
Coding change: c.2317G>A on transcript NM_032043.3 (MANE Select); coding-DNA position 2317, G replaced by A.
Protein change: p.Asp773Asn; replaces aspartic acid 773 with asparagine.
Molecular consequence: missense variant.
Genome position (GRCh38, 1-based): chr17:61,743,075, C>T on the plus strand (G>A on the coding strand, the complement: BRIP1 is on the minus strand). VCF-style: chr17-61743075-C-T. GRCh37 (hg19) VCF-style: chr17-59820436-C-T.
Other names: short protein forms D773N.
Identifiers: ClinVar variation 583239 (VCV000583239.19), dbSNP rs146091205, ClinGen allele CA8690553.

ClinVar aggregate classification (germline): Uncertain significance. Review status: criteria provided, multiple submitters, no conflicts (2 of 4 stars). 5 submissions from 5 submitters: Uncertain significance (5). Last evaluated 2026-01-07.

Conditions:
Hereditary cancer-predisposing syndrome. Also called: Neoplastic Syndromes, Hereditary; Hereditary Cancer Syndrome; Tumor predisposition; Hereditary neoplastic syndrome. Identifiers: Orphanet 140162, MedGen C0027672, MeSH D009386, MONDO:0015356.
Familial cancer of breast. Also called: hereditary breast carcinoma; BREAST CANCER, FAMILIAL; Hereditary breast cancer. Identifiers: Orphanet 227535, MedGen C0346153, MONDO:0016419, OMIM 114480. Disease mechanism: loss of function.
Fanconi anemia complementation group J. Also called: BRIP1-Related Fanconi Anemia. Identifiers: Orphanet 84, MedGen C1836860, MONDO:0012187, OMIM 609054.

Allele frequency attached by ClinVar (database versions not stated): gnomAD exomes below 0.00001; ExAC 0.00001; gnomAD 0.00001; TOPMed 0.00002; ESP Exome Variant Server 0.00008.
gnomAD v4.1: 5 of 1,613,830 alleles (0.00031%); highest among the groups gnomAD compares: Non-Finnish European, 0.00042%; no homozygotes.

Submissions (5):

Labcorp Genetics (formerly Invitae), Labcorp
Classification: Uncertain significance for Familial cancer of breast; Fanconi anemia complementation group J. Last evaluated: 2026-01-07. Review status: criteria provided, single submitter. Criteria: Invitae Variant Classification Sherloc (09022015). Collection method: clinical testing. Allele origin: germline.
Comment: This sequence change replaces aspartic acid, which is acidic and polar, with asparagine, which is neutral and polar, at codon 773 of the BRIP1 protein (p.Asp773Asn). This variant is present in population databases (rs146091205, gnomAD 0.0009%). This variant has not been reported in the literature in individuals affected with BRIP1-related conditions. ClinVar contains an entry for this variant (Variation ID: 583239). Invitae Evidence Modeling of protein sequence and biophysical properties (such as structural, functional, and spatial information, amino acid conservation, physicochemical variation, residue mobility, and thermodynamic stability) has been performed for this missense variant. However, the output from this modeling did not meet the statistical confidence thresholds required to predict the impact of this variant on BRIP1 protein function. In summary, the available evidence is currently insufficient to determine the role of this variant in disease. Therefore, it has been classified as a Variant of Uncertain Significance.

Baylor Genetics
Classification: Uncertain significance for Familial cancer of breast. Last evaluated: 2024-02-13. Review status: criteria provided, single submitter. Criteria: ACMG Guidelines, 2015. Collection method: clinical testing. Allele origin: unknown.

Ambry Genetics
Classification: Uncertain significance for Hereditary cancer-predisposing syndrome. Last evaluated: 2023-12-29. Review status: criteria provided, single submitter. Criteria: Ambry Variant Classification Scheme 2023. Collection method: clinical testing. Allele origin: germline.
Comment: The p.D773N variant (also known as c.2317G>A), located in coding exon 15 of the BRIP1 gene, results from a G to A substitution at nucleotide position 2317. The aspartic acid at codon 773 is replaced by asparagine, an amino acid with highly similar properties. This amino acid position is highly conserved in available vertebrate species. In addition, the in silico prediction for this alteration is inconclusive. Since supporting evidence is limited at this time, the clinical significance of this alteration remains unclear.

GeneDx
Classification: Uncertain significance. Last evaluated: 2023-06-01. Review status: criteria provided, single submitter. Criteria: GeneDx Variant Classification Process June 2021. Collection method: clinical testing. Allele origin: germline. Affected: yes.
Comment: Not observed at significant frequency in large population cohorts (gnomAD); In silico analysis supports that this missense variant has a deleterious effect on protein structure/function; Has not been previously published as pathogenic or benign to our knowledge; This variant is associated with the following publications: (PMID: 11301010)

Color Diagnostics, LLC DBA Color Health
Classification: Uncertain significance for Hereditary cancer-predisposing syndrome. Last evaluated: 2018-12-10. Review status: criteria provided, single submitter. Criteria: ACMG Guidelines, 2015. Collection method: clinical testing. Allele origin: germline.